The following is an entry in ClinVar:

NM_005223.4(DNASE1):c.813_832del (p.Ser272fs)

Gene: DNASE1 (deoxyribonuclease 1; plus strand). Cytogenetic location: 16p13.3.
Variant type: Deletion.
Coding change: c.813_832del on transcript NM_005223.4 (MANE Select); coding-DNA positions 813 to 832, 20 bases deleted (CAGTGACCACTATCCAGTGG).
Protein change: p.Ser272fs; shifts the reading frame from serine 272.
Molecular consequence: frameshift variant. On other transcripts: non-coding transcript variant (2), intron variant (1).
Genome position (GRCh38, 1-based): chr16:3,657,917-3,657,936, CAGTGACCACTATCCAGTGG deleted. VCF-style (leftmost placement, unchanged base first): chr16-3657916-TCAGTGACCACTATCCAGTGG-T. GRCh37 (hg19) VCF-style: chr16-3707917-TCAGTGACCACTATCCAGTGG-T.
Other names: p.Ser272Glyfs*36; c.813_832del, p.Ser272fs (NM_001351825.2, NM_001387135.1); c.882_901del, p.Ser295fs (NM_001387139.1); c.606_625del, p.Ser203fs (NM_001387141.1); c.*21+50_*21+69del (NM_001387140.1); c.813_832del (NM_005223.3); short protein forms S272fs, S203fs, S295fs.
Identifiers: ClinVar variation 807975 (VCV000807975.43), dbSNP rs763641970, ClinGen allele CA7867552.

ClinVar aggregate classification (germline): Uncertain significance. Review status: criteria provided, multiple submitters, no conflicts (2 of 4 stars). 2 submissions from 2 submitters: Uncertain significance (2). Last evaluated 2023-12-07.

Allele frequency attached by ClinVar (database versions not stated): gnomAD exomes 0.00018 and 0.00028; gnomAD 0.00021; TOPMed 0.00022; ExAC 0.00028; ESP Exome Variant Server 0.00032.

Submissions (2):

Mayo Clinic Laboratories, Mayo Clinic
Classification: Uncertain significance. Last evaluated: 2023-12-07. Review status: criteria provided, single submitter. Criteria: ACMG Guidelines, 2015. Collection method: clinical testing. Allele origin: germline. Observed: 1 variant allele.
Comment: PVS1_moderate

CeGaT Center for Human Genetics Tuebingen
Classification: Uncertain significance. Last evaluated: 2018-07-01. Review status: criteria provided, single submitter. Criteria: CeGaT Center For Human Genetics Tuebingen Variant Classification Criteria Version 2. Collection method: clinical testing. Allele origin: germline. Affected: yes. Observed: 1 variant allele.